The following is an entry in ClinVar:

NM_020132.5(AGPAT3):c.33C>T (p.Phe11=)

Gene: AGPAT3 (1-acylglycerol-3-phosphate O-acyltransferase 3; plus strand). Cytogenetic location: 21q22.3.
Variant type: single nucleotide variant.
Coding change: c.33C>T on transcript NM_020132.5 (MANE Select); coding-DNA position 33, C replaced by T.
Protein change: p.Phe11=; no amino-acid change (phenylalanine 11 retained).
Molecular consequence: synonymous variant. On other transcripts: 5 prime UTR variant (1).
Genome position (GRCh38, 1-based): chr21:43,959,714, C>T. VCF-style: chr21-43959714-C-T. GRCh37 (hg19) VCF-style: chr21-45379595-C-T.
Other names: c.33C>T, p.Phe11= (NM_001037553.2, NM_001369878.1, NM_001369880.1); c.-42C>T (NM_001369881.1).
Identifiers: ClinVar variation 2652727 (VCV002652727.24), dbSNP rs148497398, ClinGen allele CA10049704.

ClinVar aggregate classification (germline): Benign (1 of 4 stars; one submission).

Allele frequency attached by ClinVar (database versions not stated): TOPMed 0.00286; 1000 Genomes Project 30x 0.00328; gnomAD 0.00334; ESP Exome Variant Server 0.00369; 1000 Genomes Project 0.00379; gnomAD exomes 0.00477; ExAC 0.00499.
gnomAD v4.1: 7,496 of 1,613,748 alleles (0.46%); highest among the groups gnomAD compares: South Asian, 1.2%; 46 homozygotes.

Submission:

CeGaT Center for Human Genetics Tuebingen
Classification: Benign. Last evaluated: 2022-12-01. Review status: criteria provided, single submitter. Criteria: CeGaT Center For Human Genetics Tuebingen Variant Classification Criteria Version 2. Collection method: clinical testing. Allele origin: germline. Affected: yes. Observed: 1 variant allele.
Comment: AGPAT3: BP4, BP7, BS1, BS2